The following is an entry in ClinVar:

ClinVar aggregate classification (germline): Pathogenic/Likely pathogenic. Review status: criteria provided, multiple submitters, no conflicts (2 of 4 stars). 2 submissions from 2 submitters: Pathogenic (1); Likely pathogenic (1). Last evaluated 2021-12-07.

Submissions (2):

Seattle Children's Hospital Molecular Genetics Laboratory, Seattle Children's Hospital
Classification: Likely pathogenic. Last evaluated: 2021-12-07. Review status: criteria provided, single submitter. Criteria: ACMG Guidelines, 2015. Collection method: clinical testing. Allele origin: germline. Inheritance: Autosomal dominant inheritance. Affected: yes.
Comment: The c.219+5G>T variant has not been reported in the medical literature and is absent from the general population (gnomAD v2.1.1). However, variants at the same position (c.219+5G>A and c.219+5G>C) have been reported in the literature in association with HHT (PMID: 12673790, PMID: 16705692). Cymerman et al (PMID: 12673790) showed evidence of exon skipping in two infants (family #130 in the study) with the c.219+5G>A variant, both of whom were asymptomatic for HHT at that time but had a positive family history. (PMID: 12673790). Lesca et al (PMID: 16705692) describe an individual (patient 25574 in Table 2) with a clinical diagnosis of HHT who was found to have the c.219+5G>C variant, which led to skipping of exon 2. This variant was found to be de novo.

GeneDx
Classification: Pathogenic. Last evaluated: 2015-12-02. Review status: criteria provided, single submitter. Criteria: GeneDx Variant Classification (06012015). Collection method: clinical testing. Allele origin: germline. Affected: yes.
Comment: The c.219+5 G>C pathogenic variant has been reported previously in one individual with HHT, and was absent in 288 control alleles (Lesca et al., 2006). Furthermore, the c.219+5 G>C variant was not observed in approximately 6,500 individuals of European and African American ancestry in the NHLBI Exome Sequencing Project, indicating it is not a common benign variant in these populations. This pathogenic variant destroys the canonical splice donor site in intron 2 and functional studies show that it causes skipping of exon 2 (Lesca et al., 2006). Other splice site variants in the ENG gene have been reported in the Human Gene Mutation Database in association with HHT (Stenson et al., 2014).In summary, c.219+5 G>C in the ENG gene is interpreted as a pathogenic variant.

Literature cited by the submitters: PubMed 12673790 (cited by Seattle Children's Hospital Molecular Genetics Laboratory, Seattle Children's Hospital); PubMed 16705692 (cited by Seattle Children's Hospital Molecular Genetics Laboratory, Seattle Children's Hospital).

NM_001114753.3(ENG):c.219+5G>C

Gene: ENG (endoglin; minus strand). Cytogenetic location: 9q34.11.
Variant type: single nucleotide variant.
Coding change: c.219+5G>C on transcript NM_001114753.3 (MANE Select); 5 bases into the intron after coding-DNA position 219, G replaced by C.
Molecular consequence: intron variant.
Genome position (GRCh38, 1-based): chr9:127,843,089, C>G on the plus strand (G>C on the coding strand, the complement: ENG is on the minus strand). VCF-style: chr9-127843089-C-G. GRCh37 (hg19) VCF-style: chr9-130605368-C-G.
Other names: c.219+5G>C (NM_000118.4, NM_001406715.1); c.-328+5G>C (NM_001278138.2).
Identifiers: ClinVar variation 449320 (VCV000449320.6), dbSNP rs1554812252, ClinGen allele CA658656052.
Genomic context (GRCh38, chr9:127,843,089, plus strand): 5'-CCCTCACCCCATCTGCCTTGGAGCTTCCTCTGAGCCCCCACCCGACCCTGCCATGGGACA[C>G]TCACCGTTGGGAACTCCAGGAAGAGGACATGGACTTCAAGGATGGCATTGGGGGCCTGAG-3'